The following is an entry in ClinVar:

ClinVar aggregate classification (germline): Uncertain significance (1 of 4 stars; one submission).

Conditions:
Epidermolysis bullosa simplex with nail dystrophy (EBS5D). Identifiers: MedGen C4225309, MONDO:0014661, OMIM 616487.
Autosomal recessive limb-girdle muscular dystrophy type 2Q (LGMDR17). Also called: MUSCULAR DYSTROPHY, LIMB-GIRDLE, AUTOSOMAL RECESSIVE 17. Identifiers: Orphanet 254361, MedGen C3150989, MONDO:0013390, OMIM 613723.
Epidermolysis bullosa simplex 5C, with pyloric atresia (EBS5C). Also called: PLEC1-Related Epidermolysis Bullosa with Pyloric Atresia; PLEC-Related Epidermolysis Bullosa with Pyloric Atresia; Epidermolysis bullosa simplex with pyloric atresia. Identifiers: Orphanet 158684, MedGen C2677349, MONDO:0012807, OMIM 612138.
Epidermolysis bullosa simplex 5B, with muscular dystrophy (EBS5B). Also called: Epidermolysis bullosa simplex with muscular dystrophy; EPIDERMOLYSIS BULLOSA SIMPLEX AND LIMB-GIRDLE MUSCULAR DYSTROPHY. Identifiers: Orphanet 257, MedGen C2931072, MONDO:0009181, OMIM 226670.
Epidermolysis bullosa simplex, Ogna type (EBS5A). Also called: EPIDERMOLYSIS BULLOSA SIMPLEX 5A, OGNA TYPE; Pidermolysis bullosa simplex 5A, Ogna type. Identifiers: Orphanet 79401, MedGen C0432317, MONDO:0007555, OMIM 131950.

Submission:

Labcorp Genetics (formerly Invitae), Labcorp
Classification: Uncertain significance for Autosomal recessive limb-girdle muscular dystrophy type 2Q; Epidermolysis bullosa simplex, Ogna type; Epidermolysis bullosa simplex with nail dystrophy; Epidermolysis bullosa simplex 5C, with pyloric atresia; Epidermolysis bullosa simplex 5B, with muscular dystrophy. Last evaluated: 2023-09-11. Review status: criteria provided, single submitter. Criteria: Invitae Variant Classification Sherloc (09022015). Collection method: clinical testing. Allele origin: germline.
Comment: In summary, the available evidence is currently insufficient to determine the role of this variant in disease. Therefore, it has been classified as a Variant of Uncertain Significance. Advanced modeling of protein sequence and biophysical properties (such as structural, functional, and spatial information, amino acid conservation, physicochemical variation, residue mobility, and thermodynamic stability) performed at Invitae indicates that this missense variant is not expected to disrupt PLEC protein function. This variant has not been reported in the literature in individuals affected with PLEC-related conditions. This variant is not present in population databases (gnomAD no frequency). This sequence change replaces alanine, which is neutral and non-polar, with valine, which is neutral and non-polar, at codon 1305 of the PLEC protein (p.Ala1305Val).

NM_201384.3(PLEC):c.3833C>T (p.Ala1278Val)

Gene: PLEC (plectin; minus strand). Cytogenetic location: 8q24.3.
Variant type: single nucleotide variant.
Coding change: c.3833C>T on transcript NM_201384.3 (MANE Select); coding-DNA position 3833, C replaced by T.
Protein change: p.Ala1278Val; replaces alanine 1278 with valine.
Molecular consequence: missense variant.
Genome position (GRCh38, 1-based): chr8:143,927,259, G>A on the plus strand (C>T on the coding strand, the complement: PLEC is on the minus strand). VCF-style: chr8-143927259-G-A. GRCh37 (hg19) VCF-style: chr8-145001427-G-A.
Other names: c.3914C>T, p.Ala1305Val (NM_000445.5, NM_001410941.1); c.3791C>T, p.Ala1264Val (NM_201378.4); c.3767C>T, p.Ala1256Val (NM_201379.3); c.4244C>T, p.Ala1415Val (NM_201380.4); c.3737C>T, p.Ala1246Val (NM_201381.3); c.3833C>T, p.Ala1278Val (NM_201382.4); c.3845C>T, p.Ala1282Val (NM_201383.3); short protein forms A1282V, A1264V, A1415V, A1256V, A1305V, A1246V, A1278V.
Identifiers: ClinVar variation 2951853 (VCV002951853.3), dbSNP rs782444749, ClinGen allele CA372564310.